The following is an entry in ClinVar:

ClinVar aggregate classification (germline): Conflicting classifications of pathogenicity. Review status: criteria provided, conflicting classifications (1 of 4 stars). 2 submissions from 2 submitters: Uncertain significance (1); Likely benign (1). Last evaluated 2025-09-25.

Conditions:
Loeys-Dietz syndrome 2 (LDS2). Also called: TGFBR2-Related Loeys-Dietz Syndrome; AORTIC ANEURYSM, FAMILIAL THORACIC 3; MARFAN SYNDROME, TYPE II; Marfan Syndrome type 2; Marfan like connective tissue disorder; MFS 2. Identifiers: Orphanet 284973, Orphanet 558, MedGen C2674574, MONDO:0012427, OMIM 610168.

Allele frequency attached by ClinVar (database versions not stated): gnomAD exomes 0.00002 and 0.00005; ExAC 0.00005; gnomAD 0.00007 and 0.00009; TOPMed 0.00015.
gnomAD v4.1: 35 of 1,611,496 alleles (0.0022%); highest among the groups gnomAD compares: African/African-American, 0.033%; no homozygotes.

Submissions (2):

Labcorp Genetics (formerly Invitae), Labcorp
Classification: Uncertain significance for Loeys-Dietz syndrome 2. Last evaluated: 2025-09-25. Review status: criteria provided, single submitter. Criteria: Invitae Variant Classification Sherloc (09022015). Collection method: clinical testing. Allele origin: germline.
Comment: This sequence change replaces alanine, which is neutral and non-polar, with valine, which is neutral and non-polar, at codon 55 of the TMPO protein (p.Ala55Val). This variant is present in population databases (rs756232510, gnomAD 0.06%). This variant has not been reported in the literature in individuals affected with TMPO-related conditions. ClinVar contains an entry for this variant (Variation ID: 842091). An algorithm developed to predict the effect of missense changes on protein structure and function (PolyPhen-2) suggests that this variant is likely to be tolerated. In summary, the available evidence is currently insufficient to determine the role of this variant in disease. Therefore, it has been classified as a Variant of Uncertain Significance.

Ambry Genetics
Classification: Likely benign. Last evaluated: 2023-02-06. Review status: criteria provided, single submitter. Criteria: Ambry Variant Classification Scheme 2023. Collection method: clinical testing. Allele origin: germline.

NM_001032283.3(TMPO):c.164C>T (p.Ala55Val)

Genes: TMPO (thymopoietin; plus strand), TMPO-AS1 (TMPO antisense RNA 1; minus strand). Cytogenetic location: 12q23.1.
Variant type: single nucleotide variant.
Coding change: c.164C>T on transcript NM_001032283.3 (MANE Select); coding-DNA position 164, C replaced by T.
Protein change: p.Ala55Val; replaces alanine 55 with valine.
Molecular consequence: missense variant. On other transcripts: non-coding transcript variant (1).
Genome position (GRCh38, 1-based): chr12:98,516,031, C>T. VCF-style: chr12-98516031-C-T. GRCh37 (hg19) VCF-style: chr12-98909809-C-T.
Other names: c.164C>T, p.Ala55Val (NM_001032284.3, NM_001307975.2, NM_003276.2); short protein forms A55V.
Identifiers: ClinVar variation 842091 (VCV000842091.10), dbSNP rs756232510, ClinGen allele CA6732118.